The following is an entry in ClinVar:

ClinVar aggregate classification (germline): Likely pathogenic (1 of 4 stars; one submission).

Conditions:
Tumor predisposition syndrome 2 (TPDS2). Also called: MBD4-ASSOCIATED NEOPLASIA SYNDROME; MBD4-Related Tumor Predisposition Syndrome; MBD4-associated neoplasia syndrome (MANS). Identifiers: Orphanet 661526, MedGen C5774186, MONDO:0859267, OMIM 619975.

Submission:

Myriad Genetics, Inc.
Classification: Likely pathogenic for Tumor predisposition syndrome 2. Last evaluated: 2026-08-18. Review status: criteria provided, single submitter. Criteria: Myriad Autosomal Dominant, Autosomal Recessive and X-Linked Classification Criteria (2023). Collection method: clinical testing. Allele origin: unknown.
Comment: This variant is considered likely pathogenic. This variant occurs within a consensus splice junction and is predicted to result in abnormal mRNA splicing of either an out-of-frame exon or an in-frame exon necessary for protein stability and/or normal function.

NM_001276270.2(MBD4):c.1259-1G>A

Gene: MBD4 (methyl-CpG binding domain 4, DNA glycosylase; minus strand). Cytogenetic location: 3q21.3.
Variant type: single nucleotide variant.
Coding change: c.1259-1G>A on transcript NM_001276270.2 (MANE Select); the canonical splice acceptor site of the intron before coding-DNA position 1259, G replaced by A.
Molecular consequence: splice acceptor variant.
Genome position (GRCh38, 1-based): chr3:129,433,985, C>T on the plus strand (G>A on the coding strand, the complement: MBD4 is on the minus strand). VCF-style: chr3-129433985-C-T. GRCh37 (hg19) VCF-style: chr3-129152828-C-T.
Other names: c.323-1G>A (NM_001276273.2); c.1277-1G>A (NM_001276272.2, NM_003925.3, NM_001276271.2).
Identifiers: ClinVar variation 5042255 (VCV005042255.1).
Genomic context (GRCh38, chr3:129,433,985, plus strand): 5'-TAAAAGGTGACCGAGGAGGTGTCCATTTCTTAAAGGCTTTACGTCGTGGGGGGCTAAGAG[C>T]TAAACAAACATAGTGCATCAGAATTGAAAACCCAAAATGGAATTAGAATTTGCTGTTCTG-3'